The following is an entry in ClinVar:

NM_004336.5(BUB1):c.1943C>G (p.Pro648Arg)

Gene: BUB1 (BUB1 mitotic checkpoint serine/threonine kinase; minus strand). Cytogenetic location: 2q13.
Variant type: single nucleotide variant.
Coding change: c.1943C>G on transcript NM_004336.5 (MANE Select); coding-DNA position 1943, C replaced by G.
Protein change: p.Pro648Arg; replaces proline 648 with arginine.
Molecular consequence: missense variant.
Genome position (GRCh38, 1-based): chr2:110,653,457, G>C on the plus strand (C>G on the coding strand, the complement: BUB1 is on the minus strand). VCF-style: chr2-110653457-G-C. GRCh37 (hg19) VCF-style: chr2-111411034-G-C.
Other names: c.1883C>G, p.Pro628Arg (NM_001278616.2); c.1943C>G, p.Pro648Arg (NM_001278617.2); short protein forms P628R, P648R.
Identifiers: ClinVar variation 4802953 (VCV004802953.1).

ClinVar aggregate classification (germline): Uncertain significance (1 of 4 stars; one submission).

gnomAD v4.1: 59 of 1,613,884 alleles (0.0037%); highest among the groups gnomAD compares: African/African-American, 0.055%; no homozygotes.

Submission:

Labcorp Genetics (formerly Invitae), Labcorp
Classification: Uncertain significance. Last evaluated: 2026-02-03. Review status: criteria provided, single submitter. Criteria: Invitae Variant Classification Sherloc (09022015). Collection method: clinical testing. Allele origin: germline.
Comment: This sequence change replaces proline, which is neutral and non-polar, with arginine, which is basic and polar, at codon 648 of the BUB1 protein (p.Pro648Arg). This variant is present in population databases (rs376649190, gnomAD 0.07%), and has an allele count higher than expected for a pathogenic variant. This variant has not been reported in the literature in individuals affected with BUB1-related conditions. Experimental studies and prediction algorithms are not available or were not evaluated, and the functional significance of this variant is currently unknown. In summary, the available evidence is currently insufficient to determine the role of this variant in disease. Therefore, it has been classified as a Variant of Uncertain Significance.